The following is an entry in ClinVar:

NM_000548.5(TSC2):c.758G>A (p.Cys253Tyr)

Gene: TSC2 (TSC complex subunit 2; plus strand). Cytogenetic location: 16p13.3.
Variant type: single nucleotide variant.
Coding change: c.758G>A on transcript NM_000548.5 (MANE Select); coding-DNA position 758, G replaced by A.
Protein change: p.Cys253Tyr; replaces cysteine 253 with tyrosine.
Molecular consequence: missense variant.
Genome position (GRCh38, 1-based): chr16:2,056,753, G>A. VCF-style: chr16-2056753-G-A. GRCh37 (hg19) VCF-style: chr16-2106754-G-A.
Other names: c.758G>A, p.Cys253Tyr (NM_001077183.3, NM_001114382.3, NM_001363528.2 and 3 more transcripts); c.647G>A, p.Cys216Tyr (NM_001318827.2); c.611G>A, p.Cys204Tyr (NM_001318829.2); c.158G>A, p.Cys53Tyr (NM_001318831.2); c.791G>A, p.Cys264Tyr (NM_001318832.2); short protein forms C216Y, C253Y, C264Y, C53Y, C204Y.
Identifiers: ClinVar variation 741184 (VCV000741184.12), dbSNP rs766547457, ClinGen allele CA056325.

ClinVar aggregate classification (germline): Conflicting classifications of pathogenicity. Review status: criteria provided, conflicting classifications (1 of 4 stars). 3 submissions from 3 submitters: Uncertain significance (2); Benign (1). Last evaluated 2024-10-11.

Conditions:
Tuberous sclerosis syndrome (TSC). Also called: Tuberous Sclerosis Complex; Tuberous sclerosis. Identifiers: Orphanet 805, MedGen C0041341, MONDO:0001734.
Tuberous sclerosis 2 (TSC2). Identifiers: Orphanet 805, MedGen C1860707, MONDO:0013199, OMIM 613254.
Hereditary cancer-predisposing syndrome. Also called: Hereditary neoplastic syndrome; Neoplastic Syndromes, Hereditary; Tumor predisposition; Hereditary Cancer Syndrome. Identifiers: Orphanet 140162, MedGen C0027672, MeSH D009386, MONDO:0015356.

Allele frequency attached by ClinVar (database versions not stated): gnomAD 0.00003 and 0.00004; ExAC 0.00004.
gnomAD v4.1: 43 of 1,609,930 alleles (0.0027%); highest among the groups gnomAD compares: Non-Finnish European, 0.00017%; no homozygotes.

Submissions (3):

Ambry Genetics
Classification: Uncertain significance for Hereditary cancer-predisposing syndrome. Last evaluated: 2024-10-11. Review status: criteria provided, single submitter. Criteria: Ambry Variant Classification Scheme 2023. Collection method: clinical testing. Allele origin: germline.
Comment: The p.C253Y variant (also known as c.758G>A), located in coding exon 7 of the TSC2 gene, results from a G to A substitution at nucleotide position 758. The cysteine at codon 253 is replaced by tyrosine, an amino acid with highly dissimilar properties. This amino acid position is highly conserved in available vertebrate species. In addition, this alteration is predicted to be deleterious by in silico analysis. Based on the available evidence, the clinical significance of this variant remains unclear.

Labcorp Genetics (formerly Invitae), Labcorp
Classification: Benign for Tuberous sclerosis 2. Last evaluated: 2024-03-04. Review status: criteria provided, single submitter. Criteria: Invitae Variant Classification Sherloc (09022015). Collection method: clinical testing. Allele origin: germline.

All of Us Research Program, National Institutes of Health
Classification: Uncertain significance for Tuberous sclerosis syndrome. Last evaluated: 2023-07-19. Review status: criteria provided, single submitter. Criteria: ACMG Guidelines, 2015. Collection method: clinical testing. Allele origin: germline. Inheritance: Autosomal dominant inheritance. Observed: 2 variant alleles, 2 heterozygotes.
Comment: This missense variant replaces cysteine with tyrosine at codon 253 of the TSC2 protein. Computational prediction suggests that this variant may have deleterious impact on protein structure and function (internally defined REVEL score threshold >= 0.7, PMID: 27666373). To our knowledge, functional studies have not been reported for this variant. This variant has not been reported in individuals affected with tuberous sclerosis complex in the literature. This variant has been identified in 21/279562 chromosomes in the general population by the Genome Aggregation Database (gnomAD). The available evidence is insufficient to determine the role of this variant in disease conclusively. Therefore, this variant is classified as a Variant of Uncertain Significance.

This study involves interpretation of variants in research participants for the purpose of population health screening. Participant phenotype was not available at the time of variant classification. Additional details can be found in publication PMID: 35346344, PMCID: PMC8962531